The following is an entry in ClinVar:

ClinVar aggregate classification (germline): Uncertain significance (1 of 4 stars; one submission).

Submission:

Ambry Genetics
Classification: Uncertain significance. Last evaluated: 2021-09-27. Review status: criteria provided, single submitter. Criteria: Ambry Variant Classification Scheme 2023. Collection method: clinical testing. Allele origin: germline.
Comment: The p.F2050L variant (also known as c.6150C>A), located in coding exon 10 of the ALPK2 gene, results from a C to A substitution at nucleotide position 6150. The phenylalanine at codon 2050 is replaced by leucine, an amino acid with highly similar properties. This amino acid position is conserved. In addition, this alteration is predicted to be tolerated by in silico analysis. Since supporting evidence is limited at this time, the clinical significance of this alteration remains unclear.

NM_052947.4(ALPK2):c.6150C>A (p.Phe2050Leu)

Gene: ALPK2 (alpha kinase 2; minus strand). Cytogenetic location: 18q21.31.
Variant type: single nucleotide variant.
Coding change: c.6150C>A on transcript NM_052947.4 (MANE Select); coding-DNA position 6150, C replaced by A.
Protein change: p.Phe2050Leu; replaces phenylalanine 2050 with leucine.
Molecular consequence: missense variant.
Genome position (GRCh38, 1-based): chr18:58,504,028, G>T on the plus strand (C>A on the coding strand, the complement: ALPK2 is on the minus strand). VCF-style: chr18-58504028-G-T. GRCh37 (hg19) VCF-style: chr18-56171260-G-T.
Other names: short protein forms F2050L.
Identifiers: ClinVar variation 1751886 (VCV001751886.2), dbSNP rs2518854969, ClinGen allele CA402544030.